The following is an entry in ClinVar:

ClinVar aggregate classification (germline): Uncertain significance (1 of 4 stars; one submission).

Conditions:
Acrocallosal syndrome (ACLS). Also called: HALLUX DUPLICATION, POSTAXIAL POLYDACTYLY, AND ABSENCE OF CORPUS CALLOSUM; Schinzel syndrome 1; Absence of corpus callosum with unusual facial appearance, mental deficiency, duplication of the halluces and polydactyly. Identifiers: Orphanet 36, MedGen C0796147, MONDO:0008708, OMIM 200990.

Allele frequency attached by ClinVar (database versions not stated): ExAC 0.00001; gnomAD 0.00001; gnomAD exomes 0.00002.
gnomAD v4.1: 8 of 929,346 alleles (0.00086%); highest among the groups gnomAD compares: East Asian, 0.01%; no homozygotes.

Submission:

Labcorp Genetics (formerly Invitae), Labcorp
Classification: Uncertain significance for Acrocallosal syndrome. Last evaluated: 2024-10-08. Review status: criteria provided, single submitter. Criteria: Invitae Variant Classification Sherloc (09022015). Collection method: clinical testing. Allele origin: germline.
Comment: This sequence change replaces isoleucine, which is neutral and non-polar, with threonine, which is neutral and polar, at codon 908 of the KIF7 protein (p.Ile908Thr). This variant is present in population databases (rs753784742, gnomAD 0.004%). This variant has not been reported in the literature in individuals affected with KIF7-related conditions. ClinVar contains an entry for this variant (Variation ID: 1945782). Invitae Evidence Modeling of protein sequence and biophysical properties (such as structural, functional, and spatial information, amino acid conservation, physicochemical variation, residue mobility, and thermodynamic stability) indicates that this missense variant is not expected to disrupt KIF7 protein function with a negative predictive value of 80%. In summary, the available evidence is currently insufficient to determine the role of this variant in disease. Therefore, it has been classified as a Variant of Uncertain Significance.

NM_198525.3(KIF7):c.2723T>C (p.Ile908Thr)

Gene: KIF7 (kinesin family member 7; minus strand). Cytogenetic location: 15q26.1.
Variant type: single nucleotide variant.
Coding change: c.2723T>C on transcript NM_198525.3 (MANE Select); coding-DNA position 2723, T replaced by C.
Protein change: p.Ile908Thr; replaces isoleucine 908 with threonine.
Molecular consequence: missense variant.
Genome position (GRCh38, 1-based): chr15:89,632,992, A>G on the plus strand (T>C on the coding strand, the complement: KIF7 is on the minus strand). VCF-style: chr15-89632992-A-G. GRCh37 (hg19) VCF-style: chr15-90176223-A-G.
Other names: short protein forms I908T.
Identifiers: ClinVar variation 1945782 (VCV001945782.5), dbSNP rs753784742, ClinGen allele CA7727967.